The following is an entry in ClinVar:

ClinVar aggregate classification (germline): Benign/Likely benign. Review status: criteria provided, multiple submitters, no conflicts (2 of 4 stars). 3 submissions from 3 submitters: Benign (1); Likely benign (2). Last evaluated 2026-04-15.

Conditions:
Hereditary cancer-predisposing syndrome. Also called: Hereditary Cancer Syndrome; Neoplastic Syndromes, Hereditary; Hereditary neoplastic syndrome; Tumor predisposition. Identifiers: Orphanet 140162, MedGen C0027672, MeSH D009386, MONDO:0015356.
DICER1-related tumor predisposition. Also called: DICER1-related pleuropulmonary blastoma cancer predisposition syndrome; DICER1 syndrome. Identifiers: Orphanet 284343, MedGen C3839822, MONDO:0100216.

Allele frequency attached by ClinVar (database versions not stated): gnomAD exomes below 0.00001; TOPMed 0.00001; gnomAD 0.00002.

Submissions (3):

Myriad Genetics, Inc.
Classification: Benign for DICER1-related tumor predisposition. Last evaluated: 2026-04-15. Review status: criteria provided, single submitter. Criteria: Myriad Autosomal Dominant, Autosomal Recessive and X-Linked Classification Criteria (2023). Collection method: clinical testing. Allele origin: unknown.
Comment: This variant is considered benign. This variant is a silent/synonymous amino acid change and it is not expected to impact splicing.

Labcorp Genetics (formerly Invitae), Labcorp
Classification: Likely benign for DICER1-related tumor predisposition. Last evaluated: 2025-12-16. Review status: criteria provided, single submitter. Criteria: Invitae Variant Classification Sherloc (09022015). Collection method: clinical testing. Allele origin: germline.

Ambry Genetics
Classification: Likely benign for Hereditary cancer-predisposing syndrome. Last evaluated: 2019-09-25. Review status: criteria provided, single submitter. Criteria: Ambry Variant Classification Scheme 2023. Collection method: clinical testing. Allele origin: germline.

NM_177438.3(DICER1):c.1158A>G (p.Lys386=)

Gene: DICER1 (dicer 1, ribonuclease III; minus strand). Cytogenetic location: 14q32.13.
Variant type: single nucleotide variant.
Coding change: c.1158A>G on transcript NM_177438.3 (MANE Select); coding-DNA position 1158, A replaced by G.
Protein change: p.Lys386=; no amino-acid change (lysine 386 retained).
Molecular consequence: synonymous variant.
Genome position (GRCh38, 1-based): chr14:95,124,414, T>C on the plus strand (A>G on the coding strand, the complement: DICER1 is on the minus strand). VCF-style: chr14-95124414-T-C. GRCh37 (hg19) VCF-style: chr14-95590751-T-C.
Other names: c.1158A>G, p.Lys386= (NM_001195573.1, NM_001271282.3, NM_001291628.2 and 1 more transcripts).
Identifiers: ClinVar variation 417066 (VCV000417066.19), dbSNP rs1060504964, ClinGen allele CA16614387.